The following is an entry in ClinVar:

ClinVar aggregate classification (germline): Likely pathogenic (1 of 4 stars; one submission).

Conditions:
Autosomal recessive spinocerebellar ataxia 20. Identifiers: Orphanet 397709, MedGen C5190595, MONDO:0014601, OMIM 616354.

Submission:

Juno Genomics, Hangzhou Juno Genomics, Inc
Classification: Likely pathogenic for Autosomal recessive spinocerebellar ataxia 20. Review status: criteria provided, single submitter. Criteria: ACMG Guidelines, 2015. Collection method: clinical testing. Allele origin: germline.
Comment: Null variant in a gene where loss of function (LOF) is a known mechanism of disease.;Absent from controls (or at extremely low frequency if recessive) in Genome Aggregation Database.

NM_153816.6(SNX14):c.372G>A (p.Trp124Ter)

Gene: SNX14 (sorting nexin 14; minus strand). Cytogenetic location: 6q14.3.
Variant type: single nucleotide variant.
Coding change: c.372G>A on transcript NM_153816.6 (MANE Select); coding-DNA position 372, G replaced by A.
Protein change: p.Trp124Ter; replaces tryptophan 124 with a stop codon.
Molecular consequence: nonsense. On other transcripts: 5 prime UTR variant (9), non-coding transcript variant (6).
Genome position (GRCh38, 1-based): chr6:85,572,182, C>T on the plus strand (G>A on the coding strand, the complement: SNX14 is on the minus strand). VCF-style: chr6-85572182-C-T. GRCh37 (hg19) VCF-style: chr6-86281900-C-T.
Other names: c.372G>A, p.Trp124Ter (NM_001297614.3, NM_001350536.2, NM_001350538.2 and 3 more transcripts); c.216G>A, p.Trp72Ter (NM_001304479.2, NM_001350542.2, NM_001350544.2); c.435G>A, p.Trp145Ter (NM_001350532.2); c.369G>A, p.Trp123Ter (NM_001350533.2, NM_001350534.2, NM_001350535.2 and 1 more transcripts); c.213G>A, p.Trp71Ter (NM_001350539.2, NM_001350543.2); c.-29G>A (NM_001350545.2, NM_001350546.2); c.-594G>A (NM_001350547.2); c.-648G>A (NM_001350548.2); and 3 more; short protein forms W124*, W123*, W145*, W71*, W72*.
Identifiers: ClinVar variation 5007105 (VCV005007105.2).